The following is an entry in ClinVar:

ClinVar aggregate classification (germline): Uncertain significance (1 of 4 stars; one submission).

Conditions:
Tumor predisposition syndrome 3 (TPDS3). Also called: LONG TELOMERE SYNDROME, POT1-RELATED; POT1 Tumor Predisposition; Melanoma, cutaneous malignant, susceptibility to, 10; Glioma susceptibility 9. Identifiers: Orphanet 618, MedGen C4014476, MONDO:0014368, OMIM 615848.

Submission:

Labcorp Genetics (formerly Invitae), Labcorp
Classification: Uncertain significance for Tumor predisposition syndrome 3. Last evaluated: 2023-02-20. Review status: criteria provided, single submitter. Criteria: Invitae Variant Classification Sherloc (09022015). Collection method: clinical testing. Allele origin: germline.
Comment: In summary, the available evidence is currently insufficient to determine the role of this variant in disease. Therefore, it has been classified as a Variant of Uncertain Significance. Advanced modeling of protein sequence and biophysical properties (such as structural, functional, and spatial information, amino acid conservation, physicochemical variation, residue mobility, and thermodynamic stability) performed at Invitae indicates that this missense variant is not expected to disrupt POT1 protein function. This variant has not been reported in the literature in individuals affected with POT1-related conditions. This variant is not present in population databases (gnomAD no frequency). This sequence change replaces tryptophan, which is neutral and slightly polar, with cysteine, which is neutral and slightly polar, at codon 184 of the POT1 protein (p.Trp184Cys).

NM_015450.3(POT1):c.552G>C (p.Trp184Cys)

Gene: POT1 (protection of telomeres 1; minus strand). Cytogenetic location: 7q31.33.
Variant type: single nucleotide variant.
Coding change: c.552G>C on transcript NM_015450.3 (MANE Select); coding-DNA position 552, G replaced by C.
Protein change: p.Trp184Cys; replaces tryptophan 184 with cysteine.
Molecular consequence: missense variant. On other transcripts: non-coding transcript variant (3).
Genome position (GRCh38, 1-based): chr7:124,859,107, C>G on the plus strand (G>C on the coding strand, the complement: POT1 is on the minus strand). VCF-style: chr7-124859107-C-G. GRCh37 (hg19) VCF-style: chr7-124499161-C-G.
Other names: c.159G>C, p.Trp53Cys (NM_001042594.2); short protein forms W184C, W53C.
Identifiers: ClinVar variation 2839097 (VCV002839097.3), dbSNP rs1202302799, ClinGen allele CA369056829.